The following is an entry in ClinVar:

ClinVar aggregate classification (germline): Uncertain significance (1 of 4 stars; one submission).

Submission:

GeneDx
Classification: Uncertain significance. Last evaluated: 2022-01-25. Review status: criteria provided, single submitter. Criteria: GeneDx Variant Classification Process June 2021. Collection method: clinical testing. Allele origin: germline. Affected: yes.
Comment: Not observed at significant frequency in large population cohorts (gnomAD); In silico analysis supports a deleterious effect on splicing; Has not been previously published as pathogenic or benign to our knowledge

NM_001260.3(CDK8):c.791-13A>G

Gene: CDK8 (cyclin dependent kinase 8; plus strand). Cytogenetic location: 13q12.13.
Variant type: single nucleotide variant.
Coding change: c.791-13A>G on transcript NM_001260.3 (MANE Select); 13 bases into the intron before coding-DNA position 791, A replaced by G.
Molecular consequence: intron variant.
Genome position (GRCh38, 1-based): chr13:26,396,272, A>G. VCF-style: chr13-26396272-A-G. GRCh37 (hg19) VCF-style: chr13-26970409-A-G.
Other names: c.791-13A>G (NM_001318368.2); c.272-13A>G (NM_001346501.2).
Identifiers: ClinVar variation 1698261 (VCV001698261.2), dbSNP rs2138067505, ClinGen allele CA2580086854.